The following is an entry in ClinVar:

NM_002528.7(NTHL1):c.367C>T (p.Gln123Ter)

Gene: NTHL1 (nth like DNA glycosylase 1; minus strand). Cytogenetic location: 16p13.3.
Variant type: single nucleotide variant.
Coding change: c.367C>T on transcript NM_002528.7 (MANE Select); coding-DNA position 367, C replaced by T.
Protein change: p.Gln123Ter; replaces glutamine 123 with a stop codon.
Molecular consequence: nonsense. On other transcripts: intron variant (1).
Genome position (GRCh38, 1-based): chr16:2,044,788, G>A on the plus strand (C>T on the coding strand, the complement: NTHL1 is on the minus strand). VCF-style: chr16-2044788-G-A. GRCh37 (hg19) VCF-style: chr16-2094789-G-A.
Other names: c.37C>T, p.Gln13Ter (NM_001318194.2); c.355-1062C>T (NM_001318193.2); short protein forms Q123*, Q13*.
Identifiers: ClinVar variation 4861232 (VCV004861232.1).
Genomic context (GRCh38, chr16:2,044,788, plus strand): 5'-TGGCGCCCGCCGTCACCTGGTCTTTGGTTTGGCTGGAGAGCATCAGTGACAGCAGCACCT[G>A]GTACCTGCGTACCTGCTTGTGCAGTGACAGGGACCGGGGTGGCGGCGGGTCCTGGGTGAT-3'

ClinVar aggregate classification (germline): Pathogenic (1 of 4 stars; one submission).

Conditions:
Hereditary cancer-predisposing syndrome. Also called: Neoplastic Syndromes, Hereditary; Tumor predisposition; Hereditary Cancer Syndrome; Hereditary neoplastic syndrome. Identifiers: Orphanet 140162, MedGen C0027672, MeSH D009386, MONDO:0015356.

Submission:

Ambry Genetics
Classification: Pathogenic for Hereditary cancer-predisposing syndrome. Last evaluated: 2026-04-21. Review status: criteria provided, single submitter. Criteria: Ambry Variant Classification Scheme 2023. Collection method: clinical testing. Allele origin: germline.
Comment: The p.Q131* pathogenic mutation (also known as c.391C>T), located in coding exon 3 of the NTHL1 gene, results from a C to T substitution at nucleotide position 391. This changes the amino acid from a glutamine to a stop codon within coding exon 3. This alteration is expected to result in loss of function by premature protein truncation or nonsense-mediated mRNA decay. This variant is considered to be rare based on population cohorts in the Genome Aggregation Database (gnomAD). As such, this alteration is interpreted as a disease-causing mutation.